The following is an entry in ClinVar:

NM_000051.4(ATM):c.7789-3T>G

Genes: ATM (ATM serine/threonine kinase; plus strand), C11orf65 (chromosome 11 open reading frame 65; minus strand). Cytogenetic location: 11q22.3.
Variant type: single nucleotide variant.
Coding change: c.7789-3T>G on transcript NM_000051.4 (MANE Select); 3 bases into the intron before coding-DNA position 7789, T replaced by G.
Molecular consequence: intron variant.
Genome position (GRCh38, 1-based): chr11:108,332,759, T>G. VCF-style: chr11-108332759-T-G. GRCh37 (hg19) VCF-style: chr11-108203486-T-G.
Other names: c.7789-3T>G (NM_001351834.2); c.641-23688A>C (NM_001330368.2); c.*38+2461A>C (NM_001351110.2).
Identifiers: ClinVar variation 219629 (VCV000219629.51), dbSNP rs864622185, ClinGen allele CA350818.
Genomic context (GRCh38, chr11:108,332,759, plus strand): 5'-AACTCTGAGAAGTTTAAATGTTGGGTAGTTCCTTATGTAATGTTTTTTGTTTTTTATTAA[T>G]AGGATCGAACAGAGGCTGCAAATAGAATAATATGTACTATCAGAAGTAGGAGACCTCAGA-3'

ClinVar aggregate classification (germline): Pathogenic/Likely pathogenic. Review status: criteria provided, multiple submitters, no conflicts (2 of 4 stars). 15 submissions from 15 submitters: Pathogenic (7); Likely pathogenic (6). 2 of the submissions do not count toward it. Last evaluated 2025-09-24.

Conditions:
Hereditary cancer-predisposing syndrome. Also called: Neoplastic Syndromes, Hereditary; Hereditary neoplastic syndrome; Tumor predisposition; Hereditary Cancer Syndrome. Identifiers: Orphanet 140162, MedGen C0027672, MeSH D009386, MONDO:0015356.
ATM-related cancer predisposition. Also called: ATM-related cancer susceptibility. Identifiers: MedGen CN377759, MONDO:0700270.
Breast and/or ovarian cancer. Identifiers: MedGen CN221562.
Ataxia-telangiectasia syndrome (AT). Also called: Ataxia telangiectasia (A-T); Cerebello-oculocutaneous telangiectasia; Immunodeficiency with ataxia telangiectasia; LOUIS-BAR SYNDROME; AT, COMPLEMENTATION GROUP C; ATAXIA-TELANGIECTASIA, FRESNO VARIANT. Identifiers: Orphanet 100, MedGen C0004135, MONDO:0008840, OMIM 208900.
Familial cancer of breast. Also called: hereditary breast carcinoma; Hereditary breast cancer; BREAST CANCER, FAMILIAL. Identifiers: Orphanet 227535, MedGen C0346153, MONDO:0016419, OMIM 114480. Disease mechanism: loss of function.

Allele frequency attached by ClinVar (database versions not stated): gnomAD exomes below 0.00001.
gnomAD v4.1: 6 of 1,612,118 alleles (0.00037%); highest among the groups gnomAD compares: Non-Finnish European, 0.00051%; no homozygotes.

Submissions (16):

Labcorp Genetics (formerly Invitae), Labcorp
Classification: Pathogenic for Ataxia-telangiectasia syndrome. Last evaluated: 2025-09-24. Review status: criteria provided, single submitter. Criteria: Invitae Variant Classification Sherloc (09022015). Collection method: clinical testing. Allele origin: germline.
Comment: This sequence change falls in intron 52 of the ATM gene. It does not directly change the encoded amino acid sequence of the ATM protein. RNA analysis indicates that this variant induces altered splicing and may result in an absent or altered protein product. This variant is not present in population databases (gnomAD no frequency). This variant has been observed in individual(s) with ataxia-telangiectasia (PMID: 8808599, 12815592, 17124347, 21965147). In at least one individual the data is consistent with being in trans (on the opposite chromosome) from a pathogenic variant. ClinVar contains an entry for this variant (Variation ID: 219629). Variants that disrupt the consensus splice site are a relatively common cause of aberrant splicing (PMID: 17576681, 9536098). Studies have shown that this variant results in skipping of exon 53 (also known as exon 55), and produces a non-functional protein and/or introduces a premature termination codon (PMID: 8808599). For these reasons, this variant has been classified as Pathogenic.

Ambry Genetics
Classification: Pathogenic for Hereditary cancer-predisposing syndrome. Last evaluated: 2025-07-07. Review status: criteria provided, single submitter. Criteria: Ambry Variant Classification Scheme 2023. Collection method: clinical testing. Allele origin: germline.
Comment: The c.7789-3T>G intronic variant results from a T to G substitution 3 nucleotides upstream from coding exon 52 in the ATM gene. This alteration has been reported in conjunction with a second ATM alteration in multiple patients with ataxia-telangiectasia (Wright J et al. Am. J. Hum. Genet. 1996 Oct; 59(4):839-46; Mitui M et al. Hum. Mutat. 2003 Jul; 22(1):43-50; Coutinho G et al. Am. J. Med. Genet. A 2004 Apr; 126A(1):33-40; Magliozzi M et al. Dis. Markers 2006; 22(4):257-64; Demuth I et al. Neurogenetics 2011 Nov; 12(4):273-82). In one study, this alteration was found to result in alternatively spliced cDNA due to skipping of coding exon 53 (Wright J et al. Am. J. Hum. Genet. 1996 Oct;59(4):839-46). Of note, this alteration is also designated as IVS54-3T>G in published literature. This nucleotide position is not well conserved in available vertebrate species. In silico splice site analysis predicts that this alteration will weaken the native splice acceptor site and RNA studies have demonstrated that this alteration results in abnormal splicing in the set of samples tested (Ambry internal data). Based on the supporting evidence, this alteration is interpreted as a disease-causing mutation.

Dasa
Classification: Likely pathogenic for ATM-related cancer predisposition. Last evaluated: 2025-05-19. Review status: criteria provided, single submitter. Criteria: DASA Assertion Criteria. Collection method: clinical testing. Allele origin: germline.
Comment: NM_000051.4(ATM):c.7789-3T>G is a splice-region variant predicted to affect normal RNA splicing. This variant affects a splice-region context with prior evidence supporting clinical relevance. This variant has been recurrently observed in individuals with ATM-related cancer predisposition (PMID: 8808599; PMID: 12815592; PMID: 17124347; PMID: 21965147). Functional evidence supports an impact on the gene or gene product (PMID: 8808599; PMID: 12815592; PMID: 17124347; PMID: 21965147). Also, this variant is rare in population databases. Computational evidence supports a deleterious effect. Based on the currently available evidence, this variant is classified as likely pathogenic.

Color Diagnostics, LLC DBA Color Health
Classification: Pathogenic for Hereditary cancer-predisposing syndrome. Last evaluated: 2025-02-25. Review status: criteria provided, single submitter. Criteria: ACMG Guidelines, 2015. Collection method: clinical testing. Allele origin: germline.
Comment: This variant causes a T to G nucleotide substitution at the -3 position of intron 52 of the ATM gene. Functional RNA studies have shown that this variant causes out-of-frame skipping of exon 53 (referred to as exon 55 in the literature) resulting in a frameshift and premature truncation (PMID: 8808599). This variant has been reported in the homozygous state and in the compound heterozygous state in individuals affected with ataxia-telangiectasia (PMID: 8808599, 12815592, 17124347, 21965147). This variant has also been detected in a cohort of individuals affected with breast cancer (PMID: 35264596). This variant has been identified in 1/249636 chromosomes in the general population by the Genome Aggregation Database (gnomAD). Loss of ATM function is a known mechanism of disease. Based on the available evidence, this variant is classified as Pathogenic.

Natera, Inc.
Classification: Likely pathogenic for Ataxia-telangiectasia. Last evaluated: 2025-01-23. Review status: criteria provided, single submitter. Criteria: Natera Variant Classification Schema (03/2026). Collection method: clinical testing. Allele origin: germline.
Comment: The c.7789-3T>G variant in ATM is an intronic variant located outside the canonical splice sites. This variant is rare in the general population with a frequency below the threshold expected for the associated phenotype(s). This variant has been observed in one or more individuals affected with the associated recessive disease, as either homozygous or compound heterozygous with a second variant (PMID: 17124347, 8808599, 12815592, 21965147). Functional studies show that this variant may disrupt protein function (PMID: 8808599). Computational prediction algorithms indicate this variant is likely to affect gene or protein function. Given the available evidence, this variant is classified as Likely Pathogenic.

Women's Health and Genetics/Laboratory Corporation of America, LabCorp
Classification: Likely pathogenic for Ataxia-telangiectasia syndrome. Last evaluated: 2024-12-26. Review status: criteria provided, single submitter. Criteria: LabCorp Variant Classification Summary - May 2015. Collection method: clinical testing. Allele origin: germline.
Comment: Variant summary: ATM c.7789-3T>G alters a conserved nucleotide located close to a canonical splice site and therefore could affect mRNA splicing, leading to a significantly altered protein sequence. Several computational tools predict a significant impact on normal splicing: Two predict the variant abolishes a 3 prime acceptor site. One predict the variant weakens a 3 prime acceptor site. Four predict the variant creates a 3 prime acceptor site. However, these predictions have yet to be confirmed by functional studies. The variant allele was found at a frequency of 4e-06 in 249636 control chromosomes. c.7789-3T>G has been reported in the literature in individuals affected with Ataxia-Telangiectasia, breast cancer or clear Cell Renal Cell Carcinoma. These data indicate that the variant is likely to be associated with disease. To our knowledge, no experimental evidence demonstrating an impact on protein function has been reported. The following publications have been ascertained in the context of this evaluation (PMID: 21965147, 35264596, 38496821, 8808599). ClinVar contains an entry for this variant (Variation ID: 219629). Based on the evidence outlined above, the variant was classified as likely pathogenic.

Myriad Genetics, Inc.
Classification: Likely pathogenic for Familial cancer of breast. Last evaluated: 2024-02-01. Review status: criteria provided, single submitter. Criteria: Myriad Autosomal Dominant, Autosomal Recessive and X-Linked Classification Criteria (2023). Collection method: clinical testing. Allele origin: unknown.
Comment: This variant is considered likely pathogenic. This variant has been reported in multiple individuals with clinical features of gene-specific disease [PMID: 8808599, 12815592, 17124347, 21965147].

Clinical Genetics Laboratory, Skane University Hospital Lund
Classification: Likely pathogenic. Last evaluated: 2024-01-09. Review status: criteria provided, single submitter. Criteria: ACMG Guidelines, 2015. Collection method: clinical testing. Allele origin: germline. Affected: yes.

CeGaT Center for Human Genetics Tuebingen
Classification: Likely pathogenic. Last evaluated: 2023-08-01. Review status: criteria provided, single submitter. Criteria: CeGaT Center For Human Genetics Tuebingen Variant Classification Criteria Version 2. Collection method: clinical testing. Allele origin: germline. Affected: yes. Observed: 1 variant allele.
Comment: ATM: PM3:Strong, PM2, PP3

Sema4
Classification: Pathogenic for Hereditary cancer-predisposing syndrome. Last evaluated: 2022-02-09. Review status: criteria provided, single submitter. Criteria: Sema4 Curation Guidelines. Collection method: curation. Allele origin: germline.
Comment: The ATM c.7789-3T>G variant has been reported as homozygous in one individual and as compound heterozygous in at least three individuals with ataxia telangiectasia (PMID: 12815592, 15039971, 17124347, 21965147, 8808599), consistent with autosomal recessive inheritance, and suggests that this variant contributes to disease. This variant is also known as IVS54-3T>G in literature. Experimental studies have shown that this variant results in the skipping of exon 53 (also known as exon 55) (PMID: 8808599) and may result in an absent or disrupted protein product. This variant was observed in 1/113000 chromosomes in the Non-Finnish European population according to the Genome Aggregation Database (PMID: 32461654). The variant has been reported in ClinVar (Variation ID: 219629). Based on the current evidence available, this variant is interpreted as pathogenic.

Baylor Genetics
Classification: Pathogenic for Familial cancer of breast. Last evaluated: 2021-01-28. Review status: criteria provided, single submitter. Criteria: ACMG Guidelines, 2015. Collection method: clinical testing. Allele origin: unknown.

Department of Molecular Diagnostics, Institute of Oncology Ljubljana
Classification: Pathogenic for Familial cancer of breast. Last evaluated: 2020-04-02. Review status: criteria provided, single submitter. Criteria: ACMG Guidelines, 2015. Collection method: clinical testing. Allele origin: germline. Affected: yes.

Mendelics
Classification: Pathogenic for Ataxia-telangiectasia syndrome. Last evaluated: 2018-07-02. Review status: criteria provided, single submitter. Criteria: Mendelics Assertion Criteria 2017. Collection method: clinical testing. Allele origin: unknown.

CZECANCA consortium
Classification: Likely pathogenic for Breast and/or ovarian cancer. Last evaluated: 2019-06-11. Review status: no assertion criteria provided. Collection method: clinical testing. Allele origin: germline. Affected: yes. Observed: 1 variant allele. Not counted in ClinVar's aggregate classification.

Counsyl
Classification: Likely pathogenic for Ataxia-telangiectasia syndrome. Last evaluated: 2017-04-21. Review status: no assertion criteria provided. Collection method: clinical testing. Allele origin: unknown. Not counted in ClinVar's aggregate classification.

Dr. Peter K. Rogan Lab, Western University
No classification provided (evidence only). Condition: Gastric cancer. Review status: no classification provided. Collection method: in vitro. Allele origin: not applicable. Functional consequence: retained intron. Not counted in ClinVar's aggregate classification.

Literature cited by the submitters: PubMed 8808599 (cited by 9 submitters); PubMed 12815592 (cited by 8 submitters); PubMed 17124347 (cited by 8 submitters); PubMed 21965147 (cited by 9 submitters); PubMed 17576681 (cited by Labcorp Genetics (formerly Invitae), Labcorp); PubMed 9536098 (cited by Labcorp Genetics (formerly Invitae), Labcorp); PubMed 15039971 (cited by Ambry Genetics and Sema4); PubMed 35264596 (cited by Color Diagnostics, LLC DBA Color Health and Women's Health and Genetics/Laboratory Corporation of America, LabCorp); PubMed 38496821 (cited by Women's Health and Genetics/Laboratory Corporation of America, LabCorp); PubMed 32295079 (cited by CZECANCA consortium); PubMed 25525159 (cited by Counsyl).